The following is an entry in ClinVar:

ClinVar aggregate classification (germline): Uncertain significance (1 of 4 stars; one submission).

Conditions:
Vici syndrome (VICIS). Identifiers: Orphanet 1493, MedGen C1855772, MONDO:0009452, OMIM 242840.

Submission:

Labcorp Genetics (formerly Invitae), Labcorp
Classification: Uncertain significance for Vici syndrome. Last evaluated: 2021-09-01. Review status: criteria provided, single submitter. Criteria: Invitae Variant Classification Sherloc (09022015). Collection method: clinical testing. Allele origin: germline.
Comment: This sequence change replaces serine with cysteine at codon 1913 of the EPG5 protein (p.Ser1913Cys). The serine residue is moderately conserved and there is a moderate physicochemical difference between serine and cysteine. This variant is not present in population databases (ExAC no frequency). This variant has not been reported in the literature in individuals affected with EPG5-related conditions. Algorithms developed to predict the effect of missense changes on protein structure and function are either unavailable or do not agree on the potential impact of this missense change (SIFT: "Tolerated"; PolyPhen-2: "Probably Damaging"; Align-GVGD: "Class C0"). In summary, the available evidence is currently insufficient to determine the role of this variant in disease. Therefore, it has been classified as a Variant of Uncertain Significance.

NM_020964.3(EPG5):c.5737A>T (p.Ser1913Cys)

Gene: EPG5 (ectopic P-granules 5 autophagy tethering factor; minus strand). Cytogenetic location: 18q12.3.
Variant type: single nucleotide variant.
Coding change: c.5737A>T on transcript NM_020964.3 (MANE Select); coding-DNA position 5737, A replaced by T.
Protein change: p.Ser1913Cys; replaces serine 1913 with cysteine.
Molecular consequence: missense variant.
Genome position (GRCh38, 1-based): chr18:45,879,145, T>A on the plus strand (A>T on the coding strand, the complement: EPG5 is on the minus strand). VCF-style: chr18-45879145-T-A. GRCh37 (hg19) VCF-style: chr18-43459110-T-A.
Other names: c.5737A>T, p.Ser1913Cys (LRG_1234t1); short protein forms S1913C.
Identifiers: ClinVar variation 534603 (VCV000534603.7), dbSNP rs1555666104, ClinGen allele CA402342838.
Genomic context (GRCh38, chr18:45,879,145, plus strand): 5'-AGCCCAAGAATGTCTTCACATCAGCCATATAAGGACTCCATTTTGAGAATAAACCAAAGC[T>A]TTTAAAGTCCATCTTGGATAACCGAAGCTTATAAAAAAAGTCTGAAAGCCACTGTATAGT-3'
Protein context (NP_066015.2, residues 1903-1923): KLRLSKMDFK[Ser1913Cys]FGLFSKWSPY